The following is an entry in ClinVar:

ClinVar aggregate classification (germline): Uncertain significance (1 of 4 stars; one submission).

Conditions:
3-methylglutaconic aciduria, type VIIB (MGCA7B). Also called: 3-methylglutaconic aciduria, type VII, with cataracts, neurologic involvement and neutropenia; 3-methylglutaconic aciduria with cataracts, neurologic involvement and neutropenia; CLPB Deficiency. Identifiers: Orphanet 445038, MedGen C5676893, MONDO:0014561, OMIM 616271.

Submission:

Broad Center for Mendelian Genomics, Broad Institute of MIT and Harvard
Classification: Uncertain significance for 3-methylglutaconic aciduria, type VIIB. Last evaluated: 2022-05-04. Review status: criteria provided, single submitter. Criteria: ACMG Guidelines, 2015. Collection method: curation. Allele origin: germline. Inheritance: Autosomal recessive inheritance.
Comment: The variant has not been previously reported in individuals with 3-methylglutaconic aciduria, type VII, with cataracts, neurologic involvement and neutropenia and was absent from large population studies. Computational prediction tools, including splice predictors, and conservation analyses suggest that this variant may not impact the protein, though this information is not predictive enough to rule out pathogenicity. In summary, the clinical significance of the p.Ala506Glu variant is uncertain. ACMG/AMP Criteria applied: PM2, BP4 (Richards 2015).

NM_001258392.3(CLPB):c.1427C>A (p.Ala476Glu)

Gene: CLPB (ClpB family mitochondrial disaggregase; minus strand). Cytogenetic location: 11q13.4.
Variant type: single nucleotide variant.
Coding change: c.1427C>A on transcript NM_001258392.3 (MANE Select); coding-DNA position 1427, C replaced by A.
Protein change: p.Ala476Glu; replaces alanine 476 with glutamic acid.
Molecular consequence: missense variant.
Genome position (GRCh38, 1-based): chr11:72,295,551, G>T on the plus strand (C>A on the coding strand, the complement: CLPB is on the minus strand). VCF-style: chr11-72295551-G-T. GRCh37 (hg19) VCF-style: chr11-72006595-G-T.
Other names: NM_030813.6:c.1517C>A; c.1340C>A, p.Ala447Glu (NM_001258393.3); c.1382C>A, p.Ala461Glu (NM_001258394.3); c.1517C>A, p.Ala506Glu (NM_030813.6); short protein forms A447E, A461E, A476E, A506E.
Identifiers: ClinVar variation 1679853 (VCV001679853.1), dbSNP rs2135487981, ClinGen allele CA381728499.
Genomic context (GRCh38, chr11:72,295,551, plus strand): 5'-CCCAGGTTTTCGGCAATACGGTTACGGCTCATCTCCAAAGCTTCCTGCCTCAGCTGCAGC[G>T]CGTGCTGTGCGATCTCGTCGCTGGCCACATTGGAGGTCATGATGAAGATGGCGTCCTTGC-3'
Protein context (NP_001245321.1, residues 466-486): NVASDEIAQH[Ala476Glu]LQLRQEALEM